The following is an entry in ClinVar:

NM_001376.5(DYNC1H1):c.12685-3C>A

Gene: DYNC1H1 (dynein cytoplasmic 1 heavy chain 1; plus strand). Cytogenetic location: 14q32.31.
Variant type: single nucleotide variant.
Coding change: c.12685-3C>A on transcript NM_001376.5 (MANE Select); 3 bases into the intron before coding-DNA position 12685, C replaced by A.
Molecular consequence: intron variant.
Genome position (GRCh38, 1-based): chr14:102,044,271, C>A. VCF-style: chr14-102044271-C-A. GRCh37 (hg19) VCF-style: chr14-102510608-C-A.
Identifiers: ClinVar variation 3650848 (VCV003650848.2).

ClinVar aggregate classification (germline): Uncertain significance (1 of 4 stars; one submission).

Conditions:
Charcot-Marie-Tooth disease axonal type 2O. Also called: CHARCOT-MARIE-TOOTH NEUROPATHY, AXONAL, TYPE 2O; CHARCOT-MARIE-TOOTH DISEASE, AXONAL, AUTOSOMAL DOMINANT, TYPE 2O; Charcot-Marie-Tooth Neuropathy Type 2O; Charcot-Marie-Tooth disease, axonal, type 20. Identifiers: Orphanet 284232, MedGen C3280220, MONDO:0013644, OMIM 614228.

gnomAD v4.1: 1 of 1,613,940 alleles (0.000062%); highest among the groups gnomAD compares: South Asian, 0.0011%; no homozygotes.

Submission:

Labcorp Genetics (formerly Invitae), Labcorp
Classification: Uncertain significance for Charcot-Marie-Tooth disease axonal type 2O. Last evaluated: 2024-04-25. Review status: criteria provided, single submitter. Criteria: Invitae Variant Classification Sherloc (09022015). Collection method: clinical testing. Allele origin: germline.
Comment: This sequence change falls in intron 70 of the DYNC1H1 gene. It does not directly change the encoded amino acid sequence of the DYNC1H1 protein. It affects a nucleotide within the consensus splice site. This variant is present in population databases (rs149824412, gnomAD 0.003%). This variant has not been reported in the literature in individuals affected with DYNC1H1-related conditions. Variants that disrupt the consensus splice site are a relatively common cause of aberrant splicing (PMID: 17576681, 9536098). Algorithms developed to predict the effect of sequence changes on RNA splicing suggest that this variant may create or strengthen a splice site. In summary, the available evidence is currently insufficient to determine the role of this variant in disease. Therefore, it has been classified as a Variant of Uncertain Significance.

Literature cited by the submitters: PubMed 17576681; PubMed 9536098.